The following is an entry in ClinVar:

ClinVar aggregate classification (germline): Likely benign. Review status: criteria provided, multiple submitters, no conflicts (2 of 4 stars). 4 submissions from 4 submitters: Likely benign (4). Last evaluated 2026-05-27.

Conditions:
COL2A1-related disorder. Also called: COL2A1-related condition; COL2A1-related disorders.
Inborn genetic diseases. Identifiers: MedGen C0950123, MeSH D030342.

Allele frequency attached by ClinVar (database versions not stated): ExAC 0.00003; gnomAD 0.00003 and 0.00004; TOPMed 0.00003.
gnomAD v4.1: 73 of 1,612,268 alleles (0.0045%); highest among the groups gnomAD compares: Non-Finnish European, 0.0057%; no homozygotes.

Submissions (4):

PreventionGenetics, part of Exact Sciences
Classification: Likely benign for COL2A1-related condition. Last evaluated: 2026-05-27. Review status: criteria provided, single submitter. Criteria: ACMG Guidelines, 2015. Collection method: clinical testing. Allele origin: germline.
Comment: This variant is classified as likely benign based on ACMG/AMP sequence variant interpretation guidelines (Richards et al. 2015 PMID: 25741868, with internal and published modifications).

Labcorp Genetics (formerly Invitae), Labcorp
Classification: Likely benign. Last evaluated: 2026-01-30. Review status: criteria provided, single submitter. Criteria: Invitae Variant Classification Sherloc (09022015). Collection method: clinical testing. Allele origin: germline.

Ambry Genetics
Classification: Likely benign for Inborn genetic diseases. Last evaluated: 2024-12-10. Review status: criteria provided, single submitter. Criteria: Ambry Variant Classification Scheme 2023. Collection method: clinical testing. Allele origin: germline.

GeneDx
Classification: Likely benign. Last evaluated: 2020-01-16. Review status: criteria provided, single submitter. Criteria: GeneDx Variant Classification Process June 2021. Collection method: clinical testing. Allele origin: germline. Affected: yes.

NM_001844.5(COL2A1):c.2166C>T (p.Pro722=)

Gene: COL2A1 (collagen type II alpha 1 chain; minus strand). Cytogenetic location: 12q13.11.
Variant type: single nucleotide variant.
Coding change: c.2166C>T on transcript NM_001844.5 (MANE Select); coding-DNA position 2166, C replaced by T.
Protein change: p.Pro722=; no amino-acid change (proline 722 retained).
Molecular consequence: synonymous variant.
Genome position (GRCh38, 1-based): chr12:47,982,875, G>A on the plus strand (C>T on the coding strand, the complement: COL2A1 is on the minus strand). VCF-style: chr12-47982875-G-A. GRCh37 (hg19) VCF-style: chr12-48376658-G-A.
Other names: c.1959C>T, p.Pro653= (NM_033150.3).
Identifiers: ClinVar variation 1092921 (VCV001092921.14), dbSNP rs753427426, ClinGen allele CA6535209.
Genomic context (GRCh38, chr12:47,982,875, plus strand): 5'-ACGAAGACCCCTACAGGATGCAGCCTCACTTACTTTGGGACCATCAGTGCCAGGAGTGCC[G>A]GGGAGGCCACGGGGACCCTGGAGGCCCTGGGCACCGGGAGAGCCACGTTCACCTGGGAAA-3'
Protein context (NP_001835.3, residues 712-732): AQGLQGPRGL[Pro722=]GTPGTDGPKG